The following is an entry in ClinVar:

NM_000400.4(ERCC2):c.1867G>C (p.Val623Leu)

Gene: ERCC2 (ERCC excision repair 2, TFIIH core complex helicase subunit; minus strand). Cytogenetic location: 19q13.32.
Variant type: single nucleotide variant.
Coding change: c.1867G>C on transcript NM_000400.4 (MANE Select); coding-DNA position 1867, G replaced by C.
Protein change: p.Val623Leu; replaces valine 623 with leucine.
Molecular consequence: missense variant.
Genome position (GRCh38, 1-based): chr19:45,352,781, C>G on the plus strand (G>C on the coding strand, the complement: ERCC2 is on the minus strand). VCF-style: chr19-45352781-C-G. GRCh37 (hg19) VCF-style: chr19-45856039-C-G.
Other names: short protein forms V623L.
Identifiers: ClinVar variation 1781600 (VCV001781600.2), dbSNP rs372960848, ClinGen allele CA406363820.

ClinVar aggregate classification (germline): Uncertain significance (1 of 4 stars; one submission).

Conditions:
Inborn genetic diseases. Identifiers: MedGen C0950123, MeSH D030342.

Submission:

Ambry Genetics
Classification: Uncertain significance for Inborn genetic diseases. Last evaluated: 2022-10-11. Review status: criteria provided, single submitter. Criteria: Ambry Variant Classification Scheme 2023. Collection method: clinical testing. Allele origin: germline.
Comment: The p.V623L variant (also known as c.1867G>C), located in coding exon 20 of the ERCC2 gene, results from a G to C substitution at nucleotide position 1867. The valine at codon 623 is replaced by leucine, an amino acid with highly similar properties. This amino acid position is conserved. In addition, this alteration is predicted to be deleterious by in silico analysis. Since supporting evidence is limited at this time, the clinical significance of this alteration remains unclear.